The following is an entry in ClinVar:

ClinVar aggregate classification (germline): Uncertain significance (1 of 4 stars; one submission).

Submission:

GeneDx
Classification: Uncertain significance. Last evaluated: 2022-03-08. Review status: criteria provided, single submitter. Criteria: GeneDx Variant Classification Process June 2021. Collection method: clinical testing. Allele origin: germline. Affected: yes.
Comment: Not observed at significant frequency in large population cohorts (gnomAD); In silico analysis supports that this missense variant does not alter protein structure/function; Has not been previously published as pathogenic or benign to our knowledge

NM_031407.7(HUWE1):c.12478C>A (p.Leu4160Met)

Gene: HUWE1 (HECT, UBA and WWE domain containing E3 ubiquitin protein ligase 1; minus strand). Cytogenetic location: Xp11.22.
Variant type: single nucleotide variant.
Coding change: c.12478C>A on transcript NM_031407.7 (MANE Select); coding-DNA position 12478, C replaced by A.
Protein change: p.Leu4160Met; replaces leucine 4160 with methionine.
Molecular consequence: missense variant.
Genome position (GRCh38, 1-based): chrX:53,536,200, G>T on the plus strand (C>A on the coding strand, the complement: HUWE1 is on the minus strand). VCF-style: chrX-53536200-G-T. GRCh37 (hg19) VCF-style: chrX-53563161-G-T.
Other names: c.262C>A, p.Leu88Met (NM_005703.2); short protein forms L4160M, L88M.
Identifiers: ClinVar variation 1704819 (VCV001704819.2), dbSNP rs2522014155, ClinGen allele CA413149350.
Genomic context (GRCh38, chrX:53,536,200, plus strand): 5'-GACCTACCTCAGTGCTGAAGGTGAGGTCATAGCCTAGTGTGGAGACATCATTTTCCAGCA[G>T]ATAAACCAGACCTTGGTAGAAGTGGTAATCTTCACTCTCCATATCTGTATATCTAGAAAA-3'
Protein context (NP_113584.3, residues 4150-4170): DYHFYQGLVY[Leu4160Met]LENDVSTLGY